The following is an entry in ClinVar:

ClinVar aggregate classification (germline): Uncertain significance (1 of 4 stars; one submission).

Conditions:
Hereditary cancer-predisposing syndrome. Also called: Tumor predisposition; Neoplastic Syndromes, Hereditary; Hereditary neoplastic syndrome; Hereditary Cancer Syndrome. Identifiers: Orphanet 140162, MedGen C0027672, MeSH D009386, MONDO:0015356.

Submission:

Ambry Genetics
Classification: Uncertain significance for Hereditary cancer-predisposing syndrome. Last evaluated: 2025-08-06. Review status: criteria provided, single submitter. Criteria: Ambry Variant Classification Scheme 2023. Collection method: clinical testing. Allele origin: germline.
Comment: The c.1452delT variant, located in coding exon 3 of the MET gene, results from a deletion of one nucleotide at nucleotide position 1452, causing a translational frameshift with a predicted alternate stop codon (p.P485Qfs*6). This alteration is expected to result in protein truncation or nonsense-mediated mRNA decay. However, loss of function of MET has not been established as a mechanism of disease. Based on the available evidence, the clinical significance of this alteration remains unclear.

NM_000245.4(MET):c.1452del (p.Pro485fs)

Gene: MET (MET proto-oncogene, receptor tyrosine kinase; plus strand). Cytogenetic location: 7q31.2.
Variant type: Deletion.
Coding change: c.1452del on transcript NM_000245.4 (MANE Select); coding-DNA position 1452, one base deleted (T; older notation c.1452delT).
Protein change: p.Pro485fs; shifts the reading frame from proline 485.
Molecular consequence: frameshift variant.
Genome position (GRCh38, 1-based): chr7:116,740,009, T deleted. VCF-style (leftmost placement, unchanged base first): chr7-116740008-AT-A. GRCh37 (hg19) VCF-style: chr7-116380062-AT-A.
Other names: c.1452del, p.Pro485fs (NM_001127500.3, NM_001324401.3); c.162del, p.Pro55fs (NM_001324402.2); short protein forms P55fs, P485fs.
Identifiers: ClinVar variation 4106773 (VCV004106773.1).